The following is an entry in ClinVar:

ClinVar aggregate classification (germline): Pathogenic/Likely pathogenic. Review status: criteria provided, multiple submitters, no conflicts (2 of 4 stars). 4 submissions from 4 submitters: Pathogenic (3); Likely pathogenic (1). Last evaluated 2024-11-05.

Conditions:
Mitochondrial complex II deficiency, nuclear type 1. Also called: SUCCINATE CoQ REDUCTASE DEFICIENCY. Identifiers: Orphanet 3208, MedGen C5700310, MONDO:0100294, OMIM 252011.
Pheochromocytoma/paraganglioma syndrome 5. Also called: SDHA-Related Hereditary Paraganglioma-Pheochromocytoma Syndrome; Paragangliomas 5. Identifiers: Orphanet 29072, MedGen C3279992, MONDO:0013602, OMIM 614165.
Hereditary cancer-predisposing syndrome. Also called: Neoplastic Syndromes, Hereditary; Hereditary Cancer Syndrome; Tumor predisposition; Hereditary neoplastic syndrome. Identifiers: Orphanet 140162, MedGen C0027672, MeSH D009386, MONDO:0015356.
Dilated cardiomyopathy 1GG (CMD1GG). Identifiers: Orphanet 154, MedGen C3150898, MONDO:0013339, OMIM 613642.

Submissions (4):

Ambry Genetics
Classification: Pathogenic for Hereditary cancer-predisposing syndrome. Last evaluated: 2024-11-05. Review status: criteria provided, single submitter. Criteria: Ambry Variant Classification Scheme 2023. Collection method: clinical testing. Allele origin: germline.
Comment: The c.1615dupA pathogenic mutation, located in coding exon 12 of the SDHA gene, results from a duplication of A at nucleotide position 1615, causing a translational frameshift with a predicted alternate stop codon (p.I539Nfs*64). This variant is considered to be rare based on population cohorts in the Genome Aggregation Database (gnomAD). This alteration is expected to result in loss of function by premature protein truncation or nonsense-mediated mRNA decay. As such, this alteration is interpreted as a disease-causing mutation.

Labcorp Genetics (formerly Invitae), Labcorp
Classification: Pathogenic for Pheochromocytoma/paraganglioma syndrome 5; Mitochondrial complex II deficiency, nuclear type 1. Last evaluated: 2024-09-26. Review status: criteria provided, single submitter. Criteria: Invitae Variant Classification Sherloc (09022015). Collection method: clinical testing. Allele origin: germline.
Comment: This sequence change creates a premature translational stop signal (p.Ile539Asnfs*64) in the SDHA gene. It is expected to result in an absent or disrupted protein product. Loss-of-function variants in SDHA are known to be pathogenic (PMID: 22974104, 24781757). This variant is not present in population databases (gnomAD no frequency). This variant has not been reported in the literature in individuals affected with SDHA-related conditions. ClinVar contains an entry for this variant (Variation ID: 412366). For these reasons, this variant has been classified as Pathogenic.

Myriad Genetics, Inc.
Classification: Pathogenic for Pheochromocytoma/paraganglioma syndrome 5. Last evaluated: 2023-07-07. Review status: criteria provided, single submitter. Criteria: Myriad Autosomal Dominant, Autosomal Recessive and X-Linked Classification Criteria (2023). Collection method: clinical testing. Allele origin: unknown.
Comment: This variant is considered pathogenic. This variant creates a frameshift predicted to result in premature protein truncation.

Baylor Genetics
Classification: Likely pathogenic for Dilated cardiomyopathy 1GG. Last evaluated: 2021-10-27. Review status: criteria provided, single submitter. Criteria: ACMG Guidelines, 2015. Collection method: clinical testing. Allele origin: unknown.

Literature cited by the submitters: PubMed 22974104 (cited by Labcorp Genetics (formerly Invitae), Labcorp); PubMed 24781757 (cited by Labcorp Genetics (formerly Invitae), Labcorp).

NM_004168.4(SDHA):c.1615dup (p.Ile539fs)

Gene: SDHA (succinate dehydrogenase complex flavoprotein subunit A; plus strand). Cytogenetic location: 5p15.33.
Variant type: Duplication.
Coding change: c.1615dup on transcript NM_004168.4 (MANE Select); coding-DNA position 1615, one base duplicated (A; older notation c.1615dupA).
Protein change: p.Ile539fs; shifts the reading frame from isoleucine 539.
Molecular consequence: frameshift variant. On other transcripts: intron variant (1).
Genome position (GRCh38, 1-based): chr5:251,055, A duplicated; the last of 4 consecutive A bases (chr5:251,052-251,055); duplicating any one gives the same sequence. VCF-style (leftmost placement, unchanged base first): chr5-251051-G-GA. GRCh37 (hg19) VCF-style: chr5-251166-G-GA.
Other names: c.1471dup, p.Ile491fs (NM_001294332.2); c.1552-3338dup (NM_001330758.2); short protein forms I491fs, I539fs.
Identifiers: ClinVar variation 412366 (VCV000412366.10), dbSNP rs1554001843, ClinGen allele CA16611891.